The following is an entry in ClinVar:

NM_144997.7(FLCN):c.49del (p.Arg17fs)

Gene: FLCN (folliculin; minus strand). Cytogenetic location: 17p11.2.
Variant type: Deletion.
Coding change: c.49del on transcript NM_144997.7 (MANE Select); coding-DNA position 49, one base deleted (C; older notation c.49delC).
Protein change: p.Arg17fs; shifts the reading frame from arginine 17.
Molecular consequence: frameshift variant.
Genome position (GRCh38, 1-based): chr17:17,228,089, G deleted on the plus strand (C on the coding strand, the reverse complement: FLCN is on the minus strand); the first of 5 consecutive G bases (chr17:17,228,089-17,228,093); deleting any one gives the same sequence. VCF-style (leftmost placement, unchanged base first): chr17-17228088-CG-C. GRCh37 (hg19) VCF-style: chr17-17131402-CG-C.
Other names: c.49del (LRG_325t1); c.49del, p.Arg17fs (NM_001353229.2, NM_001353230.2, NM_001353231.2 and 1 more transcripts); short protein forms R17fs.
Identifiers: ClinVar variation 419350 (VCV000419350.2), dbSNP rs758385503, ClinGen allele CA8416532.
Genomic context (GRCh38, chr17:17,228,088, plus strand): 5'-TCCTCATTCCCATCCCCTTGAGGAAGTGGGGCGTGCAGCACCTCCGTGCAGAAGAGAGTG[CG>C]GGGGCCGTGGAGCTCGCAGAAGTGGCAGAGAGCCACGATGGCATTCATGGTGCCTTGGAG-3'

ClinVar aggregate classification (germline): Pathogenic (1 of 4 stars; one submission).

Submission:

GeneDx
Classification: Pathogenic. Last evaluated: 2015-06-30. Review status: criteria provided, single submitter. Criteria: GeneDx Variant Classification (06012015). Collection method: clinical testing. Allele origin: germline. Affected: yes.
Comment: The c.49delC variant in the FLCN gene causes a frameshift starting with codon Arginine 17, changes this amino acid to an Alanine residue and creates a premature Stop codon at position 38 of the new reading frame, denoted p.Arg17AlafsX38. This deletion is predicted to cause loss of normal protein function either through protein truncation or nonsense-mediated mRNA decay. Although this deletion has not been previously reported to our knowledge, we interpret it as a pathogenic variant.